The following is an entry in ClinVar:

ClinVar aggregate classification (germline): Uncertain significance. Review status: criteria provided, multiple submitters, no conflicts (2 of 4 stars). 3 submissions from 3 submitters: Uncertain significance (3). Last evaluated 2023-06-21.

Conditions:
Nephronophthisis 4 (NPHP4). Also called: NEPHRONOPHTHISIS 4, JUVENILE. Identifiers: Orphanet 655, MedGen C1847013, MONDO:0011752, OMIM 606966.
Senior-Loken syndrome 4 (SLSN4). Identifiers: Orphanet 3156, MedGen C1846979, MONDO:0011756, OMIM 606996.
NPHP4-related disorder. Also called: NPHP4-related condition; NPHP4-related disorders. Identifiers: MedGen CN239384.
Nephronophthisis. Also called: Juvenile Nephronophthisis. Identifiers: Orphanet 655, MedGen C0687120, MONDO:0019005, HP:0000090.

Allele frequency attached by ClinVar (database versions not stated): ExAC 0.00006; gnomAD 0.00006; gnomAD exomes 0.00006; TOPMed 0.00006.
gnomAD v4.1: 100 of 1,605,732 alleles (0.0062%); highest among the groups gnomAD compares: South Asian, 0.014%; no homozygotes.

Submissions (3):

PreventionGenetics, part of Exact Sciences
Classification: Uncertain significance for NPHP4-related condition. Last evaluated: 2023-06-21. Review status: criteria provided, single submitter. Criteria: ACMG Guidelines, 2015. Collection method: clinical testing. Allele origin: germline.
Comment: The NPHP4 c.863G>A variant is predicted to result in the amino acid substitution p.Arg288His. To our knowledge, this variant has not been reported in the literature. This variant is reported in 0.024% of alleles in individuals of South Asian descent in gnomAD. At this time, the clinical significance of this variant is uncertain due to the absence of conclusive functional and genetic evidence.

Labcorp Genetics (formerly Invitae), Labcorp
Classification: Uncertain significance for Nephronophthisis. Last evaluated: 2022-04-12. Review status: criteria provided, single submitter. Criteria: Invitae Variant Classification Sherloc (09022015). Collection method: clinical testing. Allele origin: germline.
Comment: This sequence change replaces arginine, which is basic and polar, with histidine, which is basic and polar, at codon 288 of the NPHP4 protein (p.Arg288His). This variant is present in population databases (rs774872736, gnomAD 0.02%). This variant has not been reported in the literature in individuals affected with NPHP4-related conditions. Algorithms developed to predict the effect of missense changes on protein structure and function output the following: SIFT: "Tolerated"; PolyPhen-2: "Benign"; Align-GVGD: "Class C0". The histidine amino acid residue is found in multiple mammalian species, which suggests that this missense change does not adversely affect protein function. In summary, the available evidence is currently insufficient to determine the role of this variant in disease. Therefore, it has been classified as a Variant of Uncertain Significance.

Fulgent Genetics
Classification: Uncertain significance for Nephronophthisis 4; Senior-Loken syndrome 4. Last evaluated: 2021-11-30. Review status: criteria provided, single submitter. Criteria: ACMG Guidelines, 2015. Collection method: clinical testing. Allele origin: unknown.

NM_015102.5(NPHP4):c.863G>A (p.Arg288His)

Gene: NPHP4 (nephrocystin 4; minus strand). Cytogenetic location: 1p36.31.
Variant type: single nucleotide variant.
Coding change: c.863G>A on transcript NM_015102.5 (MANE Select); coding-DNA position 863, G replaced by A.
Protein change: p.Arg288His; replaces arginine 288 with histidine.
Molecular consequence: missense variant. On other transcripts: 5 prime UTR variant (2), non-coding transcript variant (1).
Genome position (GRCh38, 1-based): chr1:5,948,199, C>T on the plus strand (G>A on the coding strand, the complement: NPHP4 is on the minus strand). VCF-style: chr1-5948199-C-T. GRCh37 (hg19) VCF-style: chr1-6008259-C-T.
Other names: c.-504G>A (NM_001291593.2, NM_001291594.2); c.863G>A (NM_015102.4); short protein forms R288H.
Identifiers: ClinVar variation 1426781 (VCV001426781.6), dbSNP rs774872736, ClinGen allele CA554716.
Genomic context (GRCh38, chr1:5,948,199, plus strand): 5'-GGCACCAGTACAACGACCTGCGGCCTCTGCACGAAGCCCAGACCATTGTGCACGCCCACA[C>T]GCAGGCGCCGCTCCAGGATCTCCAGGGCACCACCGTCCAGTGGGCCACATCCCTGGAAGA-3'
Protein context (NP_055917.1, residues 278-298): GALEILERRL[Arg288His]VGVHNGLGFV